The following is an entry in ClinVar:

ClinVar aggregate classification (germline): Conflicting classifications of pathogenicity. Review status: criteria provided, conflicting classifications (1 of 4 stars). 2 submissions from 2 submitters: Uncertain significance (1); Likely benign (1). Last evaluated 2026-06-19.

Conditions:
KCNT1-related disorder. Also called: KCNT1-related condition.
Developmental and epileptic encephalopathy, 14 (DEE14). Also called: Early infantile epileptic encephalopathy 14. Identifiers: Orphanet 293181, MedGen C3554195, MONDO:0013989, OMIM 614959.
Autosomal dominant nocturnal frontal lobe epilepsy 5. Also called: CILIARY DYSKINESIA, PRIMARY, 28, WITHOUT SITUS INVERSUS; CILIARY DYSKINESIA, PRIMARY, 28, WITH SITUS INVERSUS; Epilepsy, nocturnal frontal lobe, 5; KCNT1-Related Epilepsy. Identifiers: Orphanet 98784, MedGen C3554306, MONDO:0014002, OMIM 615005.

Allele frequency attached by ClinVar (database versions not stated): gnomAD 0.00003 and 0.00004; gnomAD exomes 0.00004; TOPMed 0.00005; ExAC 0.00007.
gnomAD v4.1: 42 of 1,613,594 alleles (0.0026%); highest among the groups gnomAD compares: African/African-American, 0.0067%; no homozygotes.

Submissions (2):

PreventionGenetics, part of Exact Sciences
Classification: Likely benign for KCNT1-related condition. Last evaluated: 2026-06-19. Review status: criteria provided, single submitter. Criteria: ACMG Guidelines, 2015. Collection method: clinical testing. Allele origin: germline.
Comment: This variant is classified as likely benign based on ACMG/AMP sequence variant interpretation guidelines (Richards et al. 2015 PMID: 25741868, with internal and published modifications).

Labcorp Genetics (formerly Invitae), Labcorp
Classification: Uncertain significance for Autosomal dominant nocturnal frontal lobe epilepsy 5; Developmental and epileptic encephalopathy, 14. Last evaluated: 2024-11-13. Review status: criteria provided, single submitter. Criteria: Invitae Variant Classification Sherloc (09022015). Collection method: clinical testing. Allele origin: germline.
Comment: This sequence change replaces glutamic acid, which is acidic and polar, with lysine, which is basic and polar, at codon 1169 of the KCNT1 protein (p.Glu1169Lys). This variant is present in population databases (rs768746178, gnomAD 0.008%). This missense change has been observed in individual(s) with clinical features of KCNT1-related conditions (internal data). ClinVar contains an entry for this variant (Variation ID: 1487718). An algorithm developed to predict the effect of missense changes on protein structure and function (PolyPhen-2) suggests that this variant is likely to be disruptive. In summary, the available evidence is currently insufficient to determine the role of this variant in disease. Therefore, it has been classified as a Variant of Uncertain Significance.

NM_020822.3(KCNT1):c.3505G>A (p.Glu1169Lys)

Gene: KCNT1 (potassium sodium-activated channel subfamily T member 1; plus strand). Cytogenetic location: 9q34.3.
Variant type: single nucleotide variant.
Coding change: c.3505G>A on transcript NM_020822.3 (MANE Select); coding-DNA position 3505, G replaced by A.
Protein change: p.Glu1169Lys; replaces glutamic acid 1169 with lysine.
Molecular consequence: missense variant.
Genome position (GRCh38, 1-based): chr9:135,791,799, G>A. VCF-style: chr9-135791799-G-A. GRCh37 (hg19) VCF-style: chr9-138683645-G-A.
Other names: c.3433G>A, p.Glu1145Lys (NM_001272003.2); c.3505G>A (NM_020822.2); short protein forms E1145K, E1169K.
Identifiers: ClinVar variation 1487718 (VCV001487718.7), dbSNP rs768746178, ClinGen allele CA5327933.